The following is an entry in ClinVar:

NM_000146.4(FTL):c.375+5G>A

Gene: FTL (ferritin light chain; plus strand). Cytogenetic location: 19q13.33.
Variant type: single nucleotide variant.
Coding change: c.375+5G>A on transcript NM_000146.4 (MANE Select); 5 bases into the intron after coding-DNA position 375, G replaced by A.
Molecular consequence: intron variant.
Genome position (GRCh38, 1-based): chr19:48,966,411, G>A. VCF-style: chr19-48966411-G-A. GRCh37 (hg19) VCF-style: chr19-49469668-G-A.
Identifiers: ClinVar variation 1500854 (VCV001500854.8), dbSNP rs768867643, ClinGen allele CA9562547.
Genomic context (GRCh38, chr19:48,966,411, plus strand): 5'-TGAACCAGGCCCTTTTGGATCTTCATGCCCTGGGTTCTGCCCGCACGGACCCCCATGTAC[G>A]TACCCGCTGCATCCATGGCTACCCAACCATACCCCTCAAGCCTCTGCTCCCTTTGGGCAA-3'

ClinVar aggregate classification (germline): Uncertain significance (1 of 4 stars; one submission).

Conditions:
Hereditary hyperferritinemia with congenital cataracts. Also called: Hereditary hyperferritinemia cataract syndrome; Bonneau-Beaumont syndrome; HYPERFERRITINEMIA WITH OR WITHOUT CATARACT. Identifiers: Orphanet 163, MedGen C1833213, MONDO:0010952, OMIM 600886.
Neuroferritinopathy (NBIA3). Also called: NEURODEGENERATION WITH BRAIN IRON ACCUMULATION 3; BASAL GANGLIA DISEASE, ADULT-ONSET. Identifiers: Orphanet 157846, MedGen C1853578, MONDO:0011638, OMIM 606159.

Allele frequency attached by ClinVar (database versions not stated): gnomAD 0.00001; ExAC 0.00002; gnomAD exomes 0.00002; TOPMed 0.00002.
gnomAD v4.1: 12 of 1,613,942 alleles (0.00074%); highest among the groups gnomAD compares: East Asian, 0.027%; no homozygotes.

Submission:

Labcorp Genetics (formerly Invitae), Labcorp
Classification: Uncertain significance for Neuroferritinopathy; Hereditary hyperferritinemia with congenital cataracts. Last evaluated: 2022-01-28. Review status: criteria provided, single submitter. Criteria: Invitae Variant Classification Sherloc (09022015). Collection method: clinical testing. Allele origin: germline.
Comment: This variant is present in population databases (rs768867643, gnomAD 0.02%). This sequence change falls in intron 3 of the FTL gene. It does not directly change the encoded amino acid sequence of the FTL protein. It affects a nucleotide within the consensus splice site. This variant has not been reported in the literature in individuals affected with FTL-related conditions. In summary, the available evidence is currently insufficient to determine the role of this variant in disease. Therefore, it has been classified as a Variant of Uncertain Significance. Variants that disrupt the consensus splice site are a relatively common cause of aberrant splicing (PMID: 17576681, 9536098). Algorithms developed to predict the effect of sequence changes on RNA splicing suggest that this variant may disrupt the consensus splice site.

Literature cited by the submitters: PubMed 17576681; PubMed 9536098.